The following is an entry in ClinVar:

NM_000282.4(PCCA):c.1861G>T (p.Ala621Ser)

Gene: PCCA (propionyl-CoA carboxylase subunit alpha; plus strand). Cytogenetic location: 13q32.3.
Variant type: single nucleotide variant.
Coding change: c.1861G>T on transcript NM_000282.4 (MANE Select); coding-DNA position 1861, G replaced by T.
Protein change: p.Ala621Ser; replaces alanine 621 with serine.
Molecular consequence: missense variant. On other transcripts: non-coding transcript variant (5), intron variant (2).
Genome position (GRCh38, 1-based): chr13:100,449,267, G>T. VCF-style: chr13-100449267-G-T. GRCh37 (hg19) VCF-style: chr13-101101521-G-T.
Other names: c.1783G>T, p.Ala595Ser (NM_001127692.3, NM_001352607.2); c.1861G>T, p.Ala621Ser (NM_001178004.2, NM_001352609.2); c.1717G>T, p.Ala573Ser (NM_001352606.2); c.1639G>T, p.Ala547Ser (NM_001352608.2); c.916G>T, p.Ala306Ser (NM_001352610.2); c.772G>T, p.Ala258Ser (NM_001352612.2); c.1845+23536G>T (NM_001352605.2); c.900+23536G>T (NM_001352611.2); short protein forms A258S, A306S, A547S, A573S, A595S, A621S.
Identifiers: ClinVar variation 4887161 (VCV004887161.1).

ClinVar aggregate classification (germline): Uncertain significance (1 of 4 stars; one submission).

Submission:

Women's Health and Genetics/Laboratory Corporation of America, LabCorp
Classification: Uncertain significance. Last evaluated: 2026-06-17. Review status: criteria provided, single submitter. Criteria: LabCorp Variant Classification Summary - May 2015. Collection method: clinical testing. Allele origin: germline.
Comment: Variant summary: PCCA c.1861G>T (p.Ala621Ser) results in a conservative amino acid change in the encoded protein sequence. Algorithms developed to predict the effect of missense changes on protein structure and function are either unavailable or do not agree on the potential impact of this missense change. The variant was absent in 153464 control chromosomes. The available data on variant occurrences in the general population are insufficient to allow any conclusion about variant significance. To our knowledge, no occurrence of c.1861G>T in individuals affected with PCCA-related conditions and no experimental evidence demonstrating its impact on protein function have been reported. No submitters have cited clinical-significance assessments for this variant to ClinVar. Based on the evidence outlined above, the variant was classified as uncertain significance.